The following is an entry in ClinVar:

ClinVar aggregate classification (germline): Pathogenic. Review status: criteria provided, multiple submitters, no conflicts (2 of 4 stars). 2 submissions from 2 submitters: Pathogenic (2). Last evaluated 2024-07-20.

Conditions:
Angioedema. Identifiers: MedGen C0002994, MeSH D000799, MONDO:0010481, HP:0100665.

Submissions (2):

DNA-diagnostics Laboratory, Research Centre For Medical Genetics
Classification: Pathogenic for Angioedema. Last evaluated: 2024-07-20. Review status: criteria provided, single submitter. Criteria: ACMG Guidelines, 2015. Collection method: research. Allele origin: germline. Inheritance: Sporadic. Affected: yes. Observed: 1 heterozygote.
Comment: The c.382dup variant in SERPING1 meets ACMG/ClinGen SVI guidance criteria to be classified as pathogenic: PVS1, PM2_Sup, PP4

Labcorp Genetics (formerly Invitae), Labcorp
Classification: Pathogenic. Last evaluated: 2022-11-03. Review status: criteria provided, single submitter. Criteria: Invitae Variant Classification Sherloc (09022015). Collection method: clinical testing. Allele origin: germline.
Comment: For these reasons, this variant has been classified as Pathogenic. This variant has not been reported in the literature in individuals affected with SERPING1-related conditions. This variant is not present in population databases (gnomAD no frequency). This sequence change creates a premature translational stop signal (p.Thr128Asnfs*5) in the SERPING1 gene. It is expected to result in an absent or disrupted protein product. Loss-of-function variants in SERPING1 are known to be pathogenic (PMID: 11112899, 24456027).

Literature cited by the submitters: PubMed 11112899 (cited by Labcorp Genetics (formerly Invitae), Labcorp); PubMed 24456027 (cited by Labcorp Genetics (formerly Invitae), Labcorp).

NM_000062.3(SERPING1):c.382dup (p.Thr128fs)

Gene: SERPING1 (serpin family G member 1; plus strand). Cytogenetic location: 11q12.1.
Variant type: Duplication.
Coding change: c.382dup on transcript NM_000062.3 (MANE Select); coding-DNA position 382, one base duplicated (A; older notation c.382dupA).
Protein change: p.Thr128fs; shifts the reading frame from threonine 128.
Molecular consequence: frameshift variant.
Genome position (GRCh38, 1-based): chr11:57,600,209, A duplicated. VCF-style (leftmost placement, unchanged base first): chr11-57600208-T-TA. GRCh37 (hg19) VCF-style: chr11-57367681-T-TA.
Other names: c.382dup, p.Thr128fs (NM_001032295.2); short protein forms T128fs.
Identifiers: ClinVar variation 2811807 (VCV002811807.5), dbSNP rs2495426328, ClinGen allele CA2739270446.